The following is an entry in ClinVar:

NM_000070.3(CAPN3):c.1984G>C (p.Ala662Pro)

Gene: CAPN3 (calpain 3; plus strand). Cytogenetic location: 15q15.1.
Variant type: single nucleotide variant.
Coding change: c.1984G>C on transcript NM_000070.3 (MANE Select); coding-DNA position 1984, G replaced by C.
Protein change: p.Ala662Pro; replaces alanine 662 with proline.
Molecular consequence: missense variant. On other transcripts: 5 prime UTR variant (2).
Genome position (GRCh38, 1-based): chr15:42,409,372, G>C. VCF-style: chr15-42409372-G-C. GRCh37 (hg19) VCF-style: chr15-42701570-G-C.
Other names: c.1966G>C, p.Ala656Pro (NM_024344.2); c.1708G>C, p.Ala570Pro (NM_173087.2); c.448G>C, p.Ala150Pro (NM_173088.2); c.-12G>C (NM_173089.2, NM_173090.2); short protein forms A150P, A570P, A656P, A662P.
Identifiers: ClinVar variation 1442561 (VCV001442561.7), dbSNP rs187054121, ClinGen allele CA7511629.

ClinVar aggregate classification (germline): Uncertain significance. Review status: criteria provided, multiple submitters, no conflicts (2 of 4 stars). 2 submissions from 2 submitters: Uncertain significance (2). Last evaluated 2025-12-17.

Conditions:
Autosomal recessive limb-girdle muscular dystrophy type 2A (LGMDR1). Also called: Limb-girdle muscular dystrophy, type 2A; Muscular dystrophy, limb-girdle, type 2A, Amish; LEYDEN-MOEBIUS MUSCULAR DYSTROPHY; MUSCULAR DYSTROPHY, PELVOFEMORAL; Calpainopathy. Identifiers: Orphanet 267, MedGen C1869123, MONDO:0009675, OMIM 253600. Disease mechanism: loss of function.

Allele frequency attached by ClinVar (database versions not stated): 1000 Genomes Project 30x 0.00016; 1000 Genomes Project 0.00020.
gnomAD v4.1: 1 of 1,614,126 alleles (0.000062%); highest among the groups gnomAD compares: Admixed American, 0.0017%; no homozygotes.

Submissions (2):

Women's Health and Genetics/Laboratory Corporation of America, LabCorp
Classification: Uncertain significance. Last evaluated: 2025-12-17. Review status: criteria provided, single submitter. Criteria: LabCorp Variant Classification Summary - May 2015. Collection method: clinical testing. Allele origin: germline.
Comment: Variant summary: CAPN3 c.1984G>C (p.Ala662Pro) results in a non-conservative amino acid change in the encoded protein sequence. Algorithms developed to predict the effect of missense changes on protein structure and function all suggest that this variant is likely to be disruptive. The variant allele was found at a frequency of 4e-06 in 251350 control chromosomes (gnomAD). The available data on variant occurrences in the general population are insufficient to allow any conclusion about variant significance. c.1984G>C has been observed in individuals affected with limb-girdle mucular dystrophy without strong evidence of causality (Escobar-Cedillo_2021, Bevilacqua_2024). These reports do not provide unequivocal conclusions about association of the variant with Limb-Girdle Muscular Dystrophy, Autosomal Recessive. To our knowledge, no experimental evidence demonstrating an impact on protein function has been reported. The following publications have been ascertained in the context of this evaluation (PMID: 34628793, 39678382). ClinVar contains an entry for this variant (Variation ID: 1442561). Based on the evidence outlined above, the variant was classified as uncertain significance.

Labcorp Genetics (formerly Invitae), Labcorp
Classification: Uncertain significance for Autosomal recessive limb-girdle muscular dystrophy type 2A. Last evaluated: 2022-10-24. Review status: criteria provided, single submitter. Criteria: Invitae Variant Classification Sherloc (09022015). Collection method: clinical testing. Allele origin: germline.
Comment: This variant is not present in population databases (gnomAD no frequency). In summary, the available evidence is currently insufficient to determine the role of this variant in disease. Therefore, it has been classified as a Variant of Uncertain Significance. Advanced modeling of protein sequence and biophysical properties (such as structural, functional, and spatial information, amino acid conservation, physicochemical variation, residue mobility, and thermodynamic stability) performed at Invitae indicates that this missense variant is expected to disrupt CAPN3 protein function. ClinVar contains an entry for this variant (Variation ID: 1442561). This variant has not been reported in the literature in individuals affected with CAPN3-related conditions. This sequence change replaces alanine, which is neutral and non-polar, with proline, which is neutral and non-polar, at codon 662 of the CAPN3 protein (p.Ala662Pro).

Literature cited by the submitters: PubMed 34628793 (cited by Women's Health and Genetics/Laboratory Corporation of America, LabCorp); PubMed 39678382 (cited by Women's Health and Genetics/Laboratory Corporation of America, LabCorp).